The following is an entry in ClinVar:

NM_001267550.2(TTN):c.75682C>T (p.Pro25228Ser)

Genes: TTN (titin; minus strand), TTN-AS1 (TTN antisense RNA 1; plus strand). Cytogenetic location: 2q31.2.
Variant type: single nucleotide variant.
Coding change: c.75682C>T on transcript NM_001267550.2 (MANE Select); coding-DNA position 75682, C replaced by T.
Protein change: p.Pro25228Ser; replaces proline 25228 with serine.
Molecular consequence: missense variant.
Genome position (GRCh38, 1-based): chr2:178,570,450, G>A on the plus strand (C>T on the coding strand, the complement: TTN is on the minus strand). VCF-style: chr2-178570450-G-A. GRCh37 (hg19) VCF-style: chr2-179435177-G-A.
Other names: p.P23587S:CCC>TCC; c.75682C>T (LRG_391t1); c.70759C>T, p.Pro23587Ser (NM_001256850.1); c.48487C>T, p.Pro16163Ser (NM_003319.4); c.67978C>T, p.Pro22660Ser (NM_133378.4); c.48862C>T, p.Pro16288Ser (NM_133432.3); c.49063C>T, p.Pro16355Ser (NM_133437.4); short protein forms P23587S, P25228S, P22660S, P16288S, P16163S, P16355S.
Identifiers: ClinVar variation 202863 (VCV000202863.26), dbSNP rs377226540, ClinGen allele CA310517.
Genomic context (GRCh38, chr2:178,570,450, plus strand): 5'-TGGTTTCTCTCCTTTCCACAATATAATTTATGATGTCACTCCCACCATCCTGAAGTGGGG[G>A]TTTCCAAGCTAGTGTGCATTTTTCTGCTGTAACTCCTGAGATAACAACAGGTCCTTCAGG-3'
Protein context (NP_001254479.2, residues 25218-25238): TAEKCTLAWK[Pro25228Ser]PLQDGGSDII

ClinVar aggregate classification (germline): Conflicting classifications of pathogenicity. Review status: criteria provided, conflicting classifications (1 of 4 stars). 7 submissions from 7 submitters: Uncertain significance (3); Likely benign (4). Last evaluated 2026-08-28.

Conditions:
TTN-related disorder. Also called: TTN-related condition; TTN-related disease; TTN-related disorders.
Dilated cardiomyopathy 1G (CMD1G). Identifiers: Orphanet 154, MedGen C1858763, MONDO:0011400, OMIM 604145.
Autosomal recessive limb-girdle muscular dystrophy type 2J (LGMDR10). Also called: Limb-girdle muscular dystrophy, type 2J; MUSCULAR DYSTROPHY, LIMB-GIRDLE, AUTOSOMAL RECESSIVE 10. Identifiers: Orphanet 140922, MedGen C1837342, MONDO:0012127, OMIM 608807.
Cardiovascular phenotype. Identifiers: MedGen CN230736.

Allele frequency attached by ClinVar (database versions not stated): gnomAD exomes 0.00003 and 0.00008; ExAC 0.00012; gnomAD 0.00027 and 0.00029; TOPMed 0.00029; ESP Exome Variant Server 0.00041; 1000 Genomes Project 0.00060; 1000 Genomes Project 30x 0.00062.
gnomAD v4.1: 80 of 1,613,220 alleles (0.005%); highest among the groups gnomAD compares: African/African-American, 0.1%; no homozygotes.

Submissions (7):

PreventionGenetics, part of Exact Sciences
Classification: Uncertain significance for TTN-related condition. Last evaluated: 2026-08-28. Review status: criteria provided, single submitter. Criteria: ACMG Guidelines, 2015. Collection method: clinical testing. Allele origin: germline.
Comment: The TTN c.75682C>T variant is predicted to result in the amino acid substitution p.Pro25228Ser. To our knowledge, this variant has not been reported in the literature. This variant is reported in 0.12% of alleles in individuals of African descent in gnomAD. Although we suspect that this variant may be benign, at this time, the clinical significance of this variant is uncertain due to the absence of conclusive functional and genetic evidence.

Labcorp Genetics (formerly Invitae), Labcorp
Classification: Likely benign for Dilated cardiomyopathy 1G; Autosomal recessive limb-girdle muscular dystrophy type 2J. Last evaluated: 2025-12-22. Review status: criteria provided, single submitter. Criteria: Invitae Variant Classification Sherloc (09022015). Collection method: clinical testing. Allele origin: germline.

Revvity Omics, Revvity
Classification: Uncertain significance. Last evaluated: 2025-03-24. Review status: criteria provided, single submitter. Criteria: ACMG Guidelines, 2015. Collection method: clinical testing. Allele origin: germline.

GeneDx
Classification: Likely benign. Last evaluated: 2020-06-26. Review status: criteria provided, single submitter. Criteria: GeneDx Variant Classification Process June 2021. Collection method: clinical testing. Allele origin: germline. Affected: yes.

Athena Diagnostics
Classification: Likely benign. Last evaluated: 2019-11-07. Review status: criteria provided, single submitter. Criteria: Athena Diagnostics Criteria. Collection method: clinical testing. Allele origin: unknown.

Ambry Genetics
Classification: Likely benign for Cardiovascular phenotype. Last evaluated: 2019-06-26. Review status: criteria provided, single submitter. Criteria: Ambry Variant Classification Scheme 2023. Collection method: clinical testing. Allele origin: germline.

Eurofins Ntd Llc (ga)
Classification: Uncertain significance. Last evaluated: 2017-08-07. Review status: criteria provided, single submitter. Criteria: EGL Classification Definitions 2015. Collection method: clinical testing. Allele origin: germline. Observed: 3 variant alleles, 3 heterozygotes.